The following is an entry in ClinVar:

ClinVar aggregate classification (germline): Likely pathogenic (1 of 4 stars; one submission).

Conditions:
Mucolipidosis type IV (ML4). Also called: ML IV. Identifiers: Orphanet 578, MedGen C0238286, MONDO:0009653, OMIM 252650.

Allele frequency attached by ClinVar (database versions not stated): gnomAD exomes below 0.00001.

Submission:

Labcorp Genetics (formerly Invitae), Labcorp
Classification: Likely pathogenic for Mucolipidosis type IV. Last evaluated: 2021-05-02. Review status: criteria provided, single submitter. Criteria: Invitae Variant Classification Sherloc (09022015). Collection method: clinical testing. Allele origin: germline.
Comment: This sequence change affects an acceptor splice site in intron 10 of the MCOLN1 gene. It is expected to disrupt RNA splicing. Variants that disrupt the donor or acceptor splice site typically lead to a loss of protein function (PMID: 16199547), and loss-of-function variants in MCOLN1 are known to be pathogenic (PMID: 11030752, 11317355). This variant is not present in population databases (ExAC no frequency). This variant has not been reported in the literature in individuals with MCOLN1-related conditions. Algorithms developed to predict the effect of sequence changes on RNA splicing suggest that this variant may disrupt the consensus splice site, but this prediction has not been confirmed by published transcriptional studies. In summary, the currently available evidence indicates that the variant is pathogenic, but additional data are needed to prove that conclusively. Therefore, this variant has been classified as Likely Pathogenic.

Literature cited by the submitters: PubMed 16199547; PubMed 11030752; PubMed 11317355.

NM_020533.3(MCOLN1):c.1237-1G>A

Gene: MCOLN1 (mucolipin TRP cation channel 1; plus strand). Cytogenetic location: 19p13.2.
Variant type: single nucleotide variant.
Coding change: c.1237-1G>A on transcript NM_020533.3 (MANE Select); the canonical splice acceptor site of the intron before coding-DNA position 1237, G replaced by A.
Molecular consequence: splice acceptor variant.
Genome position (GRCh38, 1-based): chr19:7,529,589, G>A. VCF-style: chr19-7529589-G-A. GRCh37 (hg19) VCF-style: chr19-7594475-G-A.
Identifiers: ClinVar variation 1480425 (VCV001480425.8), dbSNP rs2146025416, ClinGen allele CA403087214.
Genomic context (GRCh38, chr19:7,529,589, plus strand): 5'-GCCCACAGCTGACCTGAGTTGTGGCCACACCCTCAACGAGGCTCCCTCTGCCCCAACCCA[G>A]ATCCTCATCGCCACACTGCGGGTGGCCCTGCCCAGCGTCATGCGCTTCTGCTGCTGCGTG-3'